The following is an entry in ClinVar:

NM_206996.4(SPAG17):c.5001A>C (p.Ala1667=)

Gene: SPAG17 (sperm associated antigen 17; minus strand). Cytogenetic location: 1p12.
Variant type: single nucleotide variant.
Coding change: c.5001A>C on transcript NM_206996.4 (MANE Select); coding-DNA position 5001, A replaced by C.
Protein change: p.Ala1667=; no amino-acid change (alanine 1667 retained).
Molecular consequence: synonymous variant.
Genome position (GRCh38, 1-based): chr1:117,996,422, T>G on the plus strand (A>C on the coding strand, the complement: SPAG17 is on the minus strand). VCF-style: chr1-117996422-T-G. GRCh37 (hg19) VCF-style: chr1-118539045-T-G.
Identifiers: ClinVar variation 3034194 (VCV003034194.2), dbSNP rs367692897, ClinGen allele CA1033259.

ClinVar aggregate classification (germline): Likely benign (0 of 4 stars; one submission).

Conditions:
SPAG17-related disorder. Also called: SPAG17-related condition.

Allele frequency attached by ClinVar (database versions not stated): gnomAD 0.00011; TOPMed 0.00016; ExAC 0.00030; 1000 Genomes Project 30x 0.00078; 1000 Genomes Project 0.00100.
gnomAD v4.1: 142 of 1,613,130 alleles (0.0088%); highest among the groups gnomAD compares: East Asian, 0.25%; no homozygotes.

Submission:

PreventionGenetics, part of Exact Sciences
Classification: Likely benign for SPAG17-related condition. Last evaluated: 2019-10-28. Review status: no assertion criteria provided. Collection method: clinical testing. Allele origin: germline.
Comment: This variant is classified as likely benign based on ACMG/AMP sequence variant interpretation guidelines (Richards et al. 2015 PMID: 25741868, with internal and published modifications).